The following is an entry in ClinVar:

ClinVar aggregate classification (germline): Uncertain significance. Review status: criteria provided, multiple submitters, no conflicts (2 of 4 stars). 2 submissions from 2 submitters: Uncertain significance (2). Last evaluated 2022-06-27.

Conditions:
Sulfite oxidase deficiency. Also called: Isolated sulfite oxidase deficiency. Identifiers: Orphanet 833, Orphanet 99731, MedGen C0268624, MONDO:0010089, OMIM 272300, HP:0003643.

Allele frequency attached by ClinVar (database versions not stated): gnomAD exomes below 0.00001 and 0.00001; ExAC 0.00001; gnomAD 0.00004; TOPMed 0.00006; ESP Exome Variant Server 0.00015.

Submissions (2):

Labcorp Genetics (formerly Invitae), Labcorp
Classification: Uncertain significance for Sulfite oxidase deficiency. Last evaluated: 2022-06-27. Review status: criteria provided, single submitter. Criteria: Invitae Variant Classification Sherloc (09022015). Collection method: clinical testing. Allele origin: germline.
Comment: This sequence change replaces glutamine, which is neutral and polar, with histidine, which is basic and polar, at codon 274 of the SUOX protein (p.Gln274His). This variant is present in population databases (rs146481076, gnomAD 0.008%). This variant has not been reported in the literature in individuals affected with SUOX-related conditions. ClinVar contains an entry for this variant (Variation ID: 989295). Algorithms developed to predict the effect of missense changes on protein structure and function are either unavailable or do not agree on the potential impact of this missense change (SIFT: "Deleterious"; PolyPhen-2: "Benign"; Align-GVGD: "Class C0"). In summary, the available evidence is currently insufficient to determine the role of this variant in disease. Therefore, it has been classified as a Variant of Uncertain Significance.

Illumina Laboratory Services, Illumina
Classification: Uncertain significance for Sulfite oxidase deficiency. Last evaluated: 2019-06-13. Review status: criteria provided, single submitter. Criteria: ICSLVariantClassificationCriteria RUGD 01 April 2020. Collection method: clinical testing. Allele origin: unknown.
Comment: The SUOX c.822G>C (p.Gln274His) variant is a missense variant that is located in the Moco domain of the SUOX gene (Claerhout et al. 2018). A literature search was performed for the gene, cDNA, and amino acid change. No publications were found based on this search. The variant is reported at a frequency of 0.000120 in the African population from the Genome Aggregation Database. Based on the limited evidence, the p.Gln274His variant is classified as a variant of uncertain significance for isolated sulfite oxidase deficiency.

Literature cited by the submitters: PubMed 28980090 (cited by Illumina Laboratory Services, Illumina).

NM_001032386.2(SUOX):c.822G>C (p.Gln274His)

Gene: SUOX (sulfite oxidase; plus strand). Cytogenetic location: 12q13.2.
Variant type: single nucleotide variant.
Coding change: c.822G>C on transcript NM_001032386.2 (MANE Select); coding-DNA position 822, G replaced by C.
Protein change: p.Gln274His; replaces glutamine 274 with histidine.
Molecular consequence: missense variant.
Genome position (GRCh38, 1-based): chr12:56,004,211, G>C. VCF-style: chr12-56004211-G-C. GRCh37 (hg19) VCF-style: chr12-56397995-G-C.
Other names: c.822G>C, p.Gln274His (NM_000456.3, NM_001032387.2); short protein forms Q274H.
Identifiers: ClinVar variation 989295 (VCV000989295.6), dbSNP rs146481076, ClinGen allele CA6621051.